The following is an entry in ClinVar:

NM_020461.4(TUBGCP6):c.4047C>A (p.Asp1349Glu)

Gene: TUBGCP6 (tubulin gamma complex component 6; minus strand). Cytogenetic location: 22q13.33.
Variant type: single nucleotide variant.
Coding change: c.4047C>A on transcript NM_020461.4 (MANE Select); coding-DNA position 4047, C replaced by A.
Protein change: p.Asp1349Glu; replaces aspartic acid 1349 with glutamic acid.
Molecular consequence: missense variant.
Genome position (GRCh38, 1-based): chr22:50,220,312, G>T on the plus strand (C>A on the coding strand, the complement: TUBGCP6 is on the minus strand). VCF-style: chr22-50220312-G-T. GRCh37 (hg19) VCF-style: chr22-50658741-G-T.
Other names: c.4047C>A (NM_020461.3); short protein forms D1349E.
Identifiers: ClinVar variation 2034204 (VCV002034204.5), dbSNP rs372533743, ClinGen allele CA10307745.

ClinVar aggregate classification (germline): Uncertain significance. Review status: criteria provided, multiple submitters, no conflicts (2 of 4 stars). 2 submissions from 2 submitters: Uncertain significance (2). Last evaluated 2025-01-23.

Conditions:
Inborn genetic diseases. Identifiers: MedGen C0950123, MeSH D030342.

gnomAD v4.1: 14 of 1,574,658 alleles (0.00089%); highest among the groups gnomAD compares: Non-Finnish European, 0.0012%; no homozygotes.

Submissions (2):

Ambry Genetics
Classification: Uncertain significance for Inborn genetic diseases. Last evaluated: 2025-01-23. Review status: criteria provided, single submitter. Criteria: Ambry Variant Classification Scheme 2023. Collection method: clinical testing. Allele origin: germline.

Labcorp Genetics (formerly Invitae), Labcorp
Classification: Uncertain significance. Last evaluated: 2022-05-31. Review status: criteria provided, single submitter. Criteria: Invitae Variant Classification Sherloc (09022015). Collection method: clinical testing. Allele origin: germline.
Comment: The frequency data for this variant in the population databases is considered unreliable, as metrics indicate poor data quality at this position in the gnomAD database. This variant has not been reported in the literature in individuals affected with TUBGCP6-related conditions. Algorithms developed to predict the effect of missense changes on protein structure and function (SIFT, PolyPhen-2, Align-GVGD) all suggest that this variant is likely to be tolerated. In summary, the available evidence is currently insufficient to determine the role of this variant in disease. Therefore, it has been classified as a Variant of Uncertain Significance. This sequence change replaces aspartic acid, which is acidic and polar, with glutamic acid, which is acidic and polar, at codon 1349 of the TUBGCP6 protein (p.Asp1349Glu).